The following is an entry in ClinVar:

NM_005996.4(TBX3):c.390-1G>A

Gene: TBX3 (T-box transcription factor 3; minus strand). Cytogenetic location: 12q24.21.
Variant type: single nucleotide variant.
Coding change: c.390-1G>A on transcript NM_005996.4 (MANE Select); the canonical splice acceptor site of the intron before coding-DNA position 390, G replaced by A.
Molecular consequence: splice acceptor variant.
Genome position (GRCh38, 1-based): chr12:114,681,147, C>T on the plus strand (G>A on the coding strand, the complement: TBX3 is on the minus strand). VCF-style: chr12-114681147-C-T. GRCh37 (hg19) VCF-style: chr12-115118952-C-T.
Other names: NC_000012.11:g.115118952C>T; c.390-1G>A (NM_016569.4).
Identifiers: ClinVar variation 3353475 (VCV003353475.2).

ClinVar aggregate classification (germline): Likely pathogenic (0 of 4 stars; one submission).

Conditions:
TBX3-related disorder. Also called: TBX3-related condition.

Submissions (2):

PreventionGenetics, part of Exact Sciences
Classification: Likely pathogenic for TBX3-related condition. Last evaluated: 2024-08-14. Review status: no assertion criteria provided. Collection method: clinical testing. Allele origin: germline.
Comment: The TBX3 c.390-1G>A variant is predicted to disrupt the AG splice acceptor site and interfere with normal splicing. To our knowledge, this variant has not been reported in the literature or in a large population database, indicating this variant is rare. Variants that disrupt the consensus splice acceptor site in TBX3 are expected to be pathogenic. This variant is interpreted as likely pathogenic.

Dr. Peter K. Rogan Lab, Western University
No classification provided (evidence only). Condition: Squamous cell lung carcinoma. Review status: no classification provided. Collection method: in vitro. Allele origin: not applicable. Functional consequence: skipped exon, retained intron. Not counted in ClinVar's aggregate classification.